The following is an entry in ClinVar:

ClinVar aggregate classification (germline): Uncertain significance (1 of 4 stars; one submission).

Allele frequency attached by ClinVar (database versions not stated): gnomAD exomes below 0.00001.

Submission:

GeneDx
Classification: Uncertain significance. Last evaluated: 2024-03-21. Review status: criteria provided, single submitter. Criteria: GeneDx Variant Classification Process June 2021. Collection method: clinical testing. Allele origin: germline.
Comment: Has not been previously published as a pathogenic or benign germline variant to our knowledge; Not observed at significant frequency in large population cohorts (gnomAD); Nonsense variant predicted to result in protein truncation or nonsense mediated decay in a gene or region of a gene for which loss of function is not a well-established mechanism of disease; This variant is associated with the following publications: (PMID: 34729104, 35794829)

NM_002524.5(NRAS):c.304C>T (p.Arg102Ter)

Gene: NRAS (NRAS proto-oncogene, GTPase; minus strand). Cytogenetic location: 1p13.2.
Variant type: single nucleotide variant.
Coding change: c.304C>T on transcript NM_002524.5 (MANE Select); coding-DNA position 304, C replaced by T.
Protein change: p.Arg102Ter; replaces arginine 102 with a stop codon.
Molecular consequence: nonsense.
Genome position (GRCh38, 1-based): chr1:114,709,715, G>A on the plus strand (C>T on the coding strand, the complement: NRAS is on the minus strand). VCF-style: chr1-114709715-G-A. GRCh37 (hg19) VCF-style: chr1-115252336-G-A.
Other names: short protein forms R102*.
Identifiers: ClinVar variation 1803496 (VCV001803496.2), dbSNP rs2101738976, ClinGen allele CA341739747.
Genomic context (GRCh38, chr1:114,709,715, plus strand): 5'-TTGGCAAATCACACTTGTTTCCCACTAGCACCATAGGTACATCATCCGAGTCTTTTACTC[G>A]CTTAATCTGCTCCCTAAAAACGGGAATATATTATCAGAACATAAGAAAAACAAGATTAGG-3'